The following is an entry in ClinVar:

NM_014023.4(WDR37):c.963G>T (p.Gly321=)

Gene: WDR37 (WD repeat domain 37; plus strand). Cytogenetic location: 10p15.3.
Variant type: single nucleotide variant.
Coding change: c.963G>T on transcript NM_014023.4 (MANE Select); coding-DNA position 963, G replaced by T.
Protein change: p.Gly321=; no amino-acid change (glycine 321 retained).
Molecular consequence: synonymous variant.
Genome position (GRCh38, 1-based): chr10:1,105,127, G>T. VCF-style: chr10-1105127-G-T. GRCh37 (hg19) VCF-style: chr10-1151067-G-T.
Identifiers: ClinVar variation 3044266 (VCV003044266.2), dbSNP rs781012889, ClinGen allele CA467946659.

ClinVar aggregate classification (germline): Likely benign (0 of 4 stars; one submission).

Conditions:
WDR37-related disorder. Also called: WDR37-related condition.

Submission:

PreventionGenetics, part of Exact Sciences
Classification: Likely benign for WDR37-related condition. Last evaluated: 2022-11-10. Review status: no assertion criteria provided. Collection method: clinical testing. Allele origin: germline.
Comment: This variant is classified as likely benign based on ACMG/AMP sequence variant interpretation guidelines (Richards et al. 2015 PMID: 25741868, with internal and published modifications).